The following is an entry in ClinVar:

NM_021930.6(RINT1):c.965G>C (p.Arg322Thr)

Gene: RINT1 (RAD50 interactor 1; plus strand). Cytogenetic location: 7q22.3.
Variant type: single nucleotide variant.
Coding change: c.965G>C on transcript NM_021930.6 (MANE Select); coding-DNA position 965, G replaced by C.
Protein change: p.Arg322Thr; replaces arginine 322 with threonine.
Molecular consequence: missense variant. On other transcripts: 5 prime UTR variant (1), non-coding transcript variant (1), intron variant (1).
Genome position (GRCh38, 1-based): chr7:105,548,679, G>C. VCF-style: chr7-105548679-G-C. GRCh37 (hg19) VCF-style: chr7-105189126-G-C.
Other names: c.731G>C, p.Arg244Thr (NM_001346599.2); c.-55G>C (NM_001346600.2); c.41G>C, p.Arg14Thr (NM_001346601.2); c.-27-1376G>C (NM_001346603.2); short protein forms R244T, R14T, R322T.
Identifiers: ClinVar variation 2624810 (VCV002624810.2), dbSNP rs755913207, ClinGen allele CA368808086.

ClinVar aggregate classification (germline): Uncertain significance (1 of 4 stars; one submission).

Submission:

Ambry Genetics
Classification: Uncertain significance. Last evaluated: 2023-08-25. Review status: criteria provided, single submitter. Criteria: Ambry Variant Classification Scheme 2023. Collection method: clinical testing. Allele origin: germline.
Comment: The p.R322T variant (also known as c.965G>C), located in coding exon 7 of the RINT1 gene, results from a G to C substitution at nucleotide position 965. The arginine at codon 322 is replaced by threonine, an amino acid with similar properties. This amino acid position is conserved. In addition, this alteration is predicted to be tolerated by in silico analysis. Since supporting evidence is limited at this time, the clinical significance of this alteration remains unclear.